The following is an entry in ClinVar:

ClinVar aggregate classification (germline): Conflicting classifications of pathogenicity. Review status: criteria provided, conflicting classifications (1 of 4 stars). 2 submissions from 2 submitters: Pathogenic (1); Uncertain significance (1). Last evaluated 2025-11-13.

Conditions:
Glutaric aciduria, type 1. Also called: Glutaryl-CoA dehydrogenase deficiency; Glutaric acidemia type I; GA I; Glutaricaciduria, type I; Glutaric Acidemia Type 1; Glutaricacidemia Type 1. Identifiers: Orphanet 25, MedGen C0268595, MONDO:0009281, OMIM 231670.

Submissions (2):

Labcorp Genetics (formerly Invitae), Labcorp
Classification: Pathogenic for Glutaric aciduria, type 1. Last evaluated: 2025-11-13. Review status: criteria provided, single submitter. Criteria: Invitae Variant Classification Sherloc (09022015). Collection method: clinical testing. Allele origin: germline.
Comment: This sequence change replaces glycine, which is neutral and non-polar, with valine, which is neutral and non-polar, at codon 156 of the GCDH protein (p.Gly156Val). This variant is not present in population databases (gnomAD no frequency). This missense change has been observed in individual(s) with glutaric acidemia type I (PMID: 16377226). In at least one individual the data is consistent with being in trans (on the opposite chromosome) from a pathogenic variant. ClinVar contains an entry for this variant (Variation ID: 1383061). Invitae Evidence Modeling of protein sequence and biophysical properties (such as structural, functional, and spatial information, amino acid conservation, physicochemical variation, residue mobility, and thermodynamic stability) indicates that this missense variant is expected to disrupt GCDH protein function with a positive predictive value of 80%. This variant disrupts the p.Gly156 amino acid residue in GCDH. Other variant(s) that disrupt this residue have been observed in individuals with GCDH-related conditions (PMID: 32778825), which suggests that this may be a clinically significant amino acid residue. For these reasons, this variant has been classified as Pathogenic.

Myriad Genetics, Inc.
Classification: Uncertain significance for Glutaric aciduria, type 1. Last evaluated: 2025-11-06. Review status: criteria provided, single submitter. Criteria: Myriad Autosomal Dominant, Autosomal Recessive and X-Linked Classification Criteria (2023). Collection method: clinical testing. Allele origin: unknown.
Comment: NM_000159.2(GCDH):c.467G>T(G156V) is a missense variant classified as a variant of uncertain significance in the context of glutaric acidemia, GCDH-related. G156V has been observed in a case with relevant disease (PMID: 16377226). Relevant functional assessments of this variant are not available in the literature. G156V has not been observed in referenced population frequency databases. In summary, there is insufficient evidence to classify NM_000159.2(GCDH):c.467G>T(G156V) as pathogenic or benign. Please note: this variant was assessed in the context of healthy population screening.

Literature cited by the submitters: PubMed 16377226 (cited by Labcorp Genetics (formerly Invitae), Labcorp and Myriad Genetics, Inc.); PubMed 32778825 (cited by Labcorp Genetics (formerly Invitae), Labcorp).

NM_000159.4(GCDH):c.467G>T (p.Gly156Val)

Gene: GCDH (glutaryl-CoA dehydrogenase; plus strand). Cytogenetic location: 19p13.13.
Variant type: single nucleotide variant.
Coding change: c.467G>T on transcript NM_000159.4 (MANE Select); coding-DNA position 467, G replaced by T.
Protein change: p.Gly156Val; replaces glycine 156 with valine.
Molecular consequence: missense variant. On other transcripts: non-coding transcript variant (2).
Genome position (GRCh38, 1-based): chr19:12,893,615, G>T. VCF-style: chr19-12893615-G-T. GRCh37 (hg19) VCF-style: chr19-13004429-G-T.
Other names: c.467G>T, p.Gly156Val (NM_013976.5); short protein forms G156V.
Identifiers: ClinVar variation 1383061 (VCV001383061.9), dbSNP rs1034155331, ClinGen allele CA305500357.